The following is an entry in ClinVar:

ClinVar aggregate classification (germline): Uncertain significance. Review status: criteria provided, multiple submitters, no conflicts (2 of 4 stars). 2 submissions from 2 submitters: Uncertain significance (2). Last evaluated 2025-04-28.

Conditions:
Inborn genetic diseases. Identifiers: MedGen C0950123, MeSH D030342.
Hyperphosphatasia with impaired intellectual development syndrome 2. Also called: Hyperphosphatasia with intellectual disability syndrome 2; GLYCOSYLPHOSPHATIDYLINOSITOL BIOSYNTHESIS DEFECT 6. Identifiers: Orphanet 247262, MedGen C3553637, MONDO:0013882, OMIM 614749.

Allele frequency attached by ClinVar (database versions not stated): gnomAD 0.00012 and 0.00013; gnomAD exomes 0.00008 and 0.00002; ExAC 0.00004; TOPMed 0.00008.

Submissions (2):

Labcorp Genetics (formerly Invitae), Labcorp
Classification: Uncertain significance for Hyperphosphatasia with impaired intellectual development syndrome 2. Last evaluated: 2025-04-28. Review status: criteria provided, single submitter. Criteria: Invitae Variant Classification Sherloc (09022015). Collection method: clinical testing. Allele origin: germline.
Comment: This sequence change replaces valine, which is neutral and non-polar, with methionine, which is neutral and non-polar, at codon 226 of the PIGO protein (p.Val226Met). This variant is present in population databases (rs767554501, gnomAD 0.05%). This variant has not been reported in the literature in individuals affected with PIGO-related conditions. ClinVar contains an entry for this variant (Variation ID: 571252). Invitae Evidence Modeling of protein sequence and biophysical properties (such as structural, functional, and spatial information, amino acid conservation, physicochemical variation, residue mobility, and thermodynamic stability) indicates that this missense variant is not expected to disrupt PIGO protein function with a negative predictive value of 80%. In summary, the available evidence is currently insufficient to determine the role of this variant in disease. Therefore, it has been classified as a Variant of Uncertain Significance.

Ambry Genetics
Classification: Uncertain significance for Inborn genetic diseases. Last evaluated: 2023-12-20. Review status: criteria provided, single submitter. Criteria: Ambry Variant Classification Scheme 2023. Collection method: clinical testing. Allele origin: germline.

NM_032634.4(PIGO):c.676G>A (p.Val226Met)

Gene: PIGO (phosphatidylinositol glycan anchor biosynthesis class O; minus strand). Cytogenetic location: 9p13.3.
Variant type: single nucleotide variant.
Coding change: c.676G>A on transcript NM_032634.4 (MANE Select); coding-DNA position 676, G replaced by A.
Protein change: p.Val226Met; replaces valine 226 with methionine.
Molecular consequence: missense variant.
Genome position (GRCh38, 1-based): chr9:35,094,004, C>T on the plus strand (G>A on the coding strand, the complement: PIGO is on the minus strand). VCF-style: chr9-35094004-C-T. GRCh37 (hg19) VCF-style: chr9-35094001-C-T.
Other names: c.676G>A, p.Val226Met (NM_001201484.2, NM_152850.4); short protein forms V226M.
Identifiers: ClinVar variation 571252 (VCV000571252.9), dbSNP rs767554501, ClinGen allele CA5040865.